The following is an entry in ClinVar:

NM_005591.4(MRE11):c.573A>C (p.Arg191=)

Gene: MRE11 (MRE11 double strand break repair nuclease; minus strand). Cytogenetic location: 11q21.
Variant type: single nucleotide variant.
Coding change: c.573A>C on transcript NM_005591.4 (MANE Select); coding-DNA position 573, A replaced by C.
Protein change: p.Arg191=; no amino-acid change (arginine 191 retained).
Molecular consequence: synonymous variant.
Genome position (GRCh38, 1-based): chr11:94,476,375, T>G on the plus strand (A>C on the coding strand, the complement: MRE11 is on the minus strand). VCF-style: chr11-94476375-T-G. GRCh37 (hg19) VCF-style: chr11-94209541-T-G.
Other names: c.573A>C, p.Arg191= (NM_001330347.2, NM_005590.4).
Identifiers: ClinVar variation 483633 (VCV000483633.9), dbSNP rs1555014571, ClinGen allele CA476286783.

ClinVar aggregate classification (germline): Likely benign. Review status: criteria provided, multiple submitters, no conflicts (2 of 4 stars). 3 submissions from 3 submitters: Likely benign (3). Last evaluated 2024-01-25.

Conditions:
Ataxia-telangiectasia-like disorder (ATLD). Identifiers: MedGen C1858391, MONDO:0011457.
Hereditary cancer-predisposing syndrome. Also called: Neoplastic Syndromes, Hereditary; Tumor predisposition; Hereditary Cancer Syndrome; Hereditary neoplastic syndrome. Identifiers: Orphanet 140162, MedGen C0027672, MeSH D009386, MONDO:0015356.

Allele frequency attached by ClinVar (database versions not stated): gnomAD exomes 0.00001.
gnomAD v4.1: 9 of 1,612,326 alleles (0.00056%); highest among the groups gnomAD compares: Non-Finnish European, 0.00076%; no homozygotes.

Submissions (3):

Women's Health and Genetics/Laboratory Corporation of America, LabCorp
Classification: Likely benign. Last evaluated: 2024-01-25. Review status: criteria provided, single submitter. Criteria: LabCorp Variant Classification Summary - May 2015. Collection method: clinical testing. Allele origin: germline.
Comment: Variant summary: MRE11A c.573A>C alters a conserved nucleotide resulting in a synonymous change. Consensus agreement among computation tools predict no significant impact on normal splicing. However, these predictions have yet to be confirmed by functional studies. The variant was absent in 250876 control chromosomes. The available data on variant occurrences in the general population are insufficient to allow any conclusion about variant significance. To our knowledge, no occurrence of c.573A>C in individuals affected with Hereditary Breast And Ovarian Cancer Syndrome and no experimental evidence demonstrating its impact on protein function have been reported. ClinVar contains an entry for this variant (Variation ID: 483633). Based on the evidence outlined above, the variant was classified as likely benign.

Labcorp Genetics (formerly Invitae), Labcorp
Classification: Likely benign for Ataxia-telangiectasia-like disorder. Last evaluated: 2024-01-10. Review status: criteria provided, single submitter. Criteria: Invitae Variant Classification Sherloc (09022015). Collection method: clinical testing. Allele origin: germline.

Ambry Genetics
Classification: Likely benign for Hereditary cancer-predisposing syndrome. Last evaluated: 2016-11-05. Review status: criteria provided, single submitter. Criteria: Ambry Variant Classification Scheme 2023. Collection method: clinical testing. Allele origin: germline.